The following is an entry in ClinVar:

NM_006949.4(STXBP2):c.240G>A (p.Thr80=)

Gene: STXBP2 (syntaxin binding protein 2; plus strand). Cytogenetic location: 19p13.2.
Variant type: single nucleotide variant.
Coding change: c.240G>A on transcript NM_006949.4 (MANE Select); coding-DNA position 240, G replaced by A.
Protein change: p.Thr80=; no amino-acid change (threonine 80 retained).
Molecular consequence: synonymous variant. On other transcripts: non-coding transcript variant (1).
Genome position (GRCh38, 1-based): chr19:7,639,801, G>A. VCF-style: chr19-7639801-G-A. GRCh37 (hg19) VCF-style: chr19-7704687-G-A.
Other names: c.240G>A, p.Thr80= (NM_001127396.3, NM_001272034.2).
Identifiers: ClinVar variation 660096 (VCV000660096.11), dbSNP rs372370815, ClinGen allele CA9143172.

ClinVar aggregate classification (germline): Likely benign. Review status: criteria provided, multiple submitters, no conflicts (2 of 4 stars). 3 submissions from 3 submitters: Likely benign (2). 1 of the submissions does not count toward it. Last evaluated 2026-01-19.

Conditions:
STXBP2-related disorder. Also called: STXBP2-related condition.
Familial hemophagocytic lymphohistiocytosis 5. Also called: STXBP2-Related Familial Hemophagocytic Lymphohistiocytosis (STXBP2-fHLH). Identifiers: Orphanet 540, MedGen C2751293, MONDO:0013135, OMIM 613101.

Allele frequency attached by ClinVar (database versions not stated): ExAC 0.00005; gnomAD 0.00005 and 0.00007; gnomAD exomes 0.00006 and 0.00007; TOPMed 0.00008; ESP Exome Variant Server 0.00015.
gnomAD v4.1: 91 of 1,613,918 alleles (0.0056%); highest among the groups gnomAD compares: East Asian, 0.067%; no homozygotes.

Submissions (3):

Labcorp Genetics (formerly Invitae), Labcorp
Classification: Likely benign for Familial hemophagocytic lymphohistiocytosis 5. Last evaluated: 2026-01-19. Review status: criteria provided, single submitter. Criteria: Invitae Variant Classification Sherloc (09022015). Collection method: clinical testing. Allele origin: germline.

Blueprint Genetics
Classification: Likely benign. Last evaluated: 2019-11-27. Review status: criteria provided, single submitter. Criteria: ACMG Guidelines, 2015. Collection method: clinical testing. Allele origin: germline.

PreventionGenetics, part of Exact Sciences
Classification: Likely benign for STXBP2-related condition. Last evaluated: 2024-03-26. Review status: no assertion criteria provided. Collection method: clinical testing. Allele origin: germline. Not counted in ClinVar's aggregate classification.
Comment: This variant is classified as likely benign based on ACMG/AMP sequence variant interpretation guidelines (Richards et al. 2015 PMID: 25741868, with internal and published modifications).